The following is an entry in ClinVar:

ClinVar aggregate classification (germline): Uncertain significance (1 of 4 stars; one submission).

Conditions:
Infantile spasms. Also called: Infantile spasm. Identifiers: MedGen C3887898, HP:0012469.

Allele frequency attached by ClinVar (database versions not stated): 1000 Genomes Project 30x 0.00016; TOPMed 0.00002; gnomAD exomes 0.00005 and 0.00003; 1000 Genomes Project 0.00020; gnomAD 0.00003 and 0.00002; ExAC 0.00006.
gnomAD v4.1: 42 of 1,614,186 alleles (0.0026%); highest among the groups gnomAD compares: Non-Finnish European, 0.0035%; no homozygotes.

Submission:

Labcorp Genetics (formerly Invitae), Labcorp
Classification: Uncertain significance for Infantile spasms. Last evaluated: 2023-04-01. Review status: criteria provided, single submitter. Criteria: Invitae Variant Classification Sherloc (09022015). Collection method: clinical testing. Allele origin: germline.
Comment: In summary, the available evidence is currently insufficient to determine the role of this variant in disease. Therefore, it has been classified as a Variant of Uncertain Significance. This variant is present in population databases (rs200224557, gnomAD 0.01%). This sequence change replaces glutamic acid, which is acidic and polar, with glycine, which is neutral and non-polar, at codon 267 of the PIK3AP1 protein (p.Glu267Gly). An algorithm developed to predict the effect of missense changes on protein structure and function (PolyPhen-2) suggests that this variant is likely to be disruptive. ClinVar contains an entry for this variant (Variation ID: 576120). This variant has not been reported in the literature in individuals affected with PIK3AP1-related conditions.

NM_152309.3(PIK3AP1):c.800A>G (p.Glu267Gly)

Gene: PIK3AP1 (phosphoinositide-3-kinase adaptor protein 1; minus strand). Cytogenetic location: 10q24.1.
Variant type: single nucleotide variant.
Coding change: c.800A>G on transcript NM_152309.3 (MANE Select); coding-DNA position 800, A replaced by G.
Protein change: p.Glu267Gly; replaces glutamic acid 267 with glycine.
Molecular consequence: missense variant.
Genome position (GRCh38, 1-based): chr10:96,651,564, T>C on the plus strand (A>G on the coding strand, the complement: PIK3AP1 is on the minus strand). VCF-style: chr10-96651564-T-C. GRCh37 (hg19) VCF-style: chr10-98411321-T-C.
Other names: short protein forms E267G.
Identifiers: ClinVar variation 576120 (VCV000576120.9), dbSNP rs200224557, ClinGen allele CA5626447.